The following is an entry in ClinVar:

NM_003500.4(ACOX2):c.60C>T (p.Pro20=)

Gene: ACOX2 (acyl-CoA oxidase 2; minus strand). Cytogenetic location: 3p14.3.
Variant type: single nucleotide variant.
Coding change: c.60C>T on transcript NM_003500.4 (MANE Select); coding-DNA position 60, C replaced by T.
Protein change: p.Pro20=; no amino-acid change (proline 20 retained).
Molecular consequence: synonymous variant.
Genome position (GRCh38, 1-based): chr3:58,535,047, G>A on the plus strand (C>T on the coding strand, the complement: ACOX2 is on the minus strand). VCF-style: chr3-58535047-G-A. GRCh37 (hg19) VCF-style: chr3-58520774-G-A.
Other names: c.60C>T (NM_003500.3).
Identifiers: ClinVar variation 2912181 (VCV002912181.4), dbSNP rs762633744, ClinGen allele CA2472551.

ClinVar aggregate classification (germline): Likely benign. Review status: criteria provided, single submitter (1 of 4 stars). 2 submissions from 2 submitters: Likely benign (1). 1 of the submissions does not count toward it. Last evaluated 2025-08-18.

Conditions:
ACOX2-related disorder. Also called: ACOX2-related condition.

Allele frequency attached by ClinVar (database versions not stated): TOPMed 0.00003; gnomAD exomes 0.00001; ExAC 0.00001; gnomAD 0.00005.
gnomAD v4.1: 18 of 1,614,042 alleles (0.0011%); highest among the groups gnomAD compares: Admixed American, 0.015%; no homozygotes.

Submissions (2):

Labcorp Genetics (formerly Invitae), Labcorp
Classification: Likely benign. Last evaluated: 2025-08-18. Review status: criteria provided, single submitter. Criteria: Invitae Variant Classification Sherloc (09022015). Collection method: clinical testing. Allele origin: germline.

PreventionGenetics, part of Exact Sciences
Classification: Likely benign for ACOX2-related condition. Last evaluated: 2024-06-22. Review status: no assertion criteria provided. Collection method: clinical testing. Allele origin: germline. Not counted in ClinVar's aggregate classification.
Comment: This variant is classified as likely benign based on ACMG/AMP sequence variant interpretation guidelines (Richards et al. 2015 PMID: 25741868, with internal and published modifications).